The following is an entry in ClinVar:

ClinVar aggregate classification (germline): Uncertain significance (1 of 4 stars; one submission).

gnomAD v4.1: 1 of 1,613,856 alleles (0.000062%); highest among the groups gnomAD compares: Non-Finnish European, 0.000085%; no homozygotes.

Submission:

GeneDx
Classification: Uncertain significance. Last evaluated: 2026-03-03. Review status: criteria provided, single submitter. Criteria: GeneDx Variant Classification Process June 2021. Collection method: clinical testing. Allele origin: germline.
Comment: Not observed at significant frequency in large population cohorts (gnomAD); In silico analysis suggests that this missense variant does not alter protein structure/function; Has not been previously published as pathogenic or benign to our knowledge

NM_001164508.2(NEB):c.22409G>C (p.Ser7470Thr)

Genes: NEB (nebulin; minus strand), RIF1 (replication timing regulatory factor 1; plus strand). Cytogenetic location: 2q23.3.
Variant type: single nucleotide variant.
Coding change: c.22409G>C on transcript NM_001164508.2 (MANE Select); coding-DNA position 22409, G replaced by C.
Protein change: p.Ser7470Thr; replaces serine 7470 with threonine.
Molecular consequence: missense variant.
Genome position (GRCh38, 1-based): chr2:151,524,381, C>G on the plus strand (G>C on the coding strand, the complement: NEB is on the minus strand). VCF-style: chr2-151524381-C-G. GRCh37 (hg19) VCF-style: chr2-152380895-C-G.
Other names: c.22409G>C, p.Ser7470Thr (NM_001164507.2); c.22514G>C, p.Ser7505Thr (NM_001271208.2); c.17306G>C, p.Ser5769Thr (NM_004543.5); short protein forms S5769T, S7470T, S7505T.
Identifiers: ClinVar variation 4888107 (VCV004888107.1).